The following is an entry in ClinVar:

ClinVar aggregate classification (germline): Conflicting classifications of pathogenicity. Review status: criteria provided, conflicting classifications (1 of 4 stars). 6 submissions from 4 submitters: Uncertain significance (1); Benign (3); Likely benign (2). Last evaluated 2026-02-04.

Conditions:
Usher syndrome type 1 (USH1). Also called: RETINITIS PIGMENTOSA AND CONGENITAL DEAFNESS. Identifiers: Orphanet 231169, Orphanet 886, MedGen C1568247, MONDO:0010168, OMIM 276900.
Autosomal dominant nonsyndromic hearing loss 11. Identifiers: Orphanet 90635, MedGen C1832475, MONDO:0011032, OMIM 601317.
Autosomal recessive nonsyndromic hearing loss 2. Also called: DEAFNESS, AUTOSOMAL RECESSIVE 2; NEUROSENSORY NONSYNDROMIC RECESSIVE DEAFNESS 2. Identifiers: Orphanet 90636, MedGen C1838701, MONDO:0010807, OMIM 600060.

Allele frequency attached by ClinVar (database versions not stated): gnomAD exomes 0.00048 and 0.00085; ExAC 0.00195; ESP Exome Variant Server 0.00297; gnomAD 0.00351 and 0.00372; TOPMed 0.00375; 1000 Genomes Project 0.00479; 1000 Genomes Project 30x 0.00500.
gnomAD v4.1: 1,268 of 1,554,794 alleles (0.082%); highest among the groups gnomAD compares: African/African-American, 1.3%; 6 homozygotes.

Submissions (6):

Labcorp Genetics (formerly Invitae), Labcorp
Classification: Benign. Last evaluated: 2026-02-04. Review status: criteria provided, single submitter. Criteria: Invitae Variant Classification Sherloc (09022015). Collection method: clinical testing. Allele origin: germline.

Blueprint Genetics
Classification: Likely benign. Last evaluated: 2024-11-21. Review status: criteria provided, single submitter. Criteria: ACMG Guidelines, 2015. Collection method: clinical testing. Allele origin: germline.

Illumina Laboratory Services, Illumina
Classification: Likely benign for Usher syndrome type 1. Last evaluated: 2018-01-13. Review status: criteria provided, single submitter. Criteria: ICSL Variant Classification Criteria 13 December 2019. Collection method: clinical testing. Allele origin: germline.
Comment: This variant was observed in the ICSL laboratory as part of a predisposition screen in an ostensibly healthy population. It had not been previously curated by ICSL or reported in the Human Gene Mutation Database (HGMD: prior to June 1st, 2018), and was therefore a candidate for classification through an automated scoring system. Utilizing variant allele frequency, disease prevalence and penetrance estimates, and inheritance mode, an automated score was calculated to assess if this variant is too frequent to cause the disease. Based on the score and internal cut-off values, a variant classified as likely benign is not then subjected to further curation. The score for this variant resulted in a classification of likely benign for this disease.

Illumina Laboratory Services, Illumina
Classification: Uncertain significance for Autosomal recessive nonsyndromic hearing loss 2. Last evaluated: 2018-01-13. Review status: criteria provided, single submitter. Criteria: ICSL Variant Classification Criteria 13 December 2019. Collection method: clinical testing. Allele origin: germline.

Illumina Laboratory Services, Illumina
Classification: Benign for Autosomal dominant nonsyndromic hearing loss 11. Last evaluated: 2018-01-13. Review status: criteria provided, single submitter. Criteria: ICSL Variant Classification Criteria 13 December 2019. Collection method: clinical testing. Allele origin: germline.
Comment: This variant was observed in the ICSL laboratory as part of a predisposition screen in an ostensibly healthy population. It had not been previously curated by ICSL or reported in the Human Gene Mutation Database (HGMD: prior to June 1st, 2018), and was therefore a candidate for classification through an automated scoring system. Utilizing variant allele frequency, disease prevalence and penetrance estimates, and inheritance mode, an automated score was calculated to assess if this variant is too frequent to cause the disease. Based on the score and internal cut-off values, a variant classified as benign is not then subjected to further curation. The score for this variant resulted in a classification of benign for this disease.

Laboratory for Molecular Medicine, Mass General Brigham Personalized Medicine
Classification: Benign. Last evaluated: 2012-04-30. Review status: criteria provided, single submitter. Criteria: LMM Criteria. Collection method: clinical testing. Allele origin: germline. Observed: 9 variant alleles.
Comment: 5481-14G>A in Intron 39 of MYO7A: This variant is not expected to have clinical significance because it has been identified in 0.9% (30/3500) of African America n chromosomes from a broad population by the NHLBI Exome Sequencing Project (dbSNP rs113075052).

NM_000260.4(MYO7A):c.5481-14G>A

Gene: MYO7A (myosin VIIA; plus strand). Cytogenetic location: 11q13.5.
Variant type: single nucleotide variant.
Coding change: c.5481-14G>A on transcript NM_000260.4 (MANE Select); 14 bases into the intron before coding-DNA position 5481, G replaced by A.
Molecular consequence: intron variant.
Genome position (GRCh38, 1-based): chr11:77,205,448, G>A. VCF-style: chr11-77205448-G-A. GRCh37 (hg19) VCF-style: chr11-76916493-G-A.
Other names: c.5334-14G>A (NM_001369365.1); c.5367-14G>A (NM_001127180.2).
Identifiers: ClinVar variation 43283 (VCV000043283.18), dbSNP rs113075052, ClinGen allele CA132385.